The following is an entry in ClinVar:

NM_007186.6(CEP250):c.536G>T (p.Ser179Ile)

Gene: CEP250 (centrosomal protein 250; plus strand). Cytogenetic location: 20q11.22.
Variant type: single nucleotide variant.
Coding change: c.536G>T on transcript NM_007186.6 (MANE Select); coding-DNA position 536, G replaced by T.
Protein change: p.Ser179Ile; replaces serine 179 with isoleucine.
Molecular consequence: missense variant. On other transcripts: 5 prime UTR variant (1).
Genome position (GRCh38, 1-based): chr20:35,467,009, G>T. VCF-style: chr20-35467009-G-T. GRCh37 (hg19) VCF-style: chr20-34054834-G-T.
Other names: c.-1364G>T (NM_001318219.1); short protein forms S179I.
Identifiers: ClinVar variation 2807804 (VCV002807804.3), dbSNP rs2515595062, ClinGen allele CA408754986.

ClinVar aggregate classification (germline): Uncertain significance (1 of 4 stars; one submission).

Submission:

Labcorp Genetics (formerly Invitae), Labcorp
Classification: Uncertain significance. Last evaluated: 2023-12-21. Review status: criteria provided, single submitter. Criteria: Invitae Variant Classification Sherloc (09022015). Collection method: clinical testing. Allele origin: germline.
Comment: This sequence change replaces serine, which is neutral and polar, with isoleucine, which is neutral and non-polar, at codon 179 of the CEP250 protein (p.Ser179Ile). This variant is not present in population databases (gnomAD no frequency). This variant has not been reported in the literature in individuals affected with CEP250-related conditions. An algorithm developed to predict the effect of missense changes on protein structure and function (PolyPhen-2) suggests that this variant is likely to be disruptive. In summary, the available evidence is currently insufficient to determine the role of this variant in disease. Therefore, it has been classified as a Variant of Uncertain Significance.